The following is an entry in ClinVar:

NM_000051.4(ATM):c.6029del (p.Arg2010fs)

Genes: ATM (ATM serine/threonine kinase; plus strand), C11orf65 (chromosome 11 open reading frame 65; minus strand). Cytogenetic location: 11q22.3.
Variant type: Deletion.
Coding change: c.6029del on transcript NM_000051.4 (MANE Select); coding-DNA position 6029, one base deleted (G; older notation c.6029delG).
Protein change: p.Arg2010fs; shifts the reading frame from arginine 2010.
Molecular consequence: frameshift variant. On other transcripts: intron variant (2).
Genome position (GRCh38, 1-based): chr11:108,315,845, G deleted. VCF-style (leftmost placement, unchanged base first): chr11-108315844-AG-A. GRCh37 (hg19) VCF-style: chr11-108186571-AG-A.
Other names: c.6029del, p.Arg2010fs (NM_001351834.2); c.641-6774del (NM_001330368.2); c.*39-6774del (NM_001351110.2); short protein forms R2010fs.
Identifiers: ClinVar variation 2866547 (VCV002866547.4), dbSNP rs2547088447, ClinGen allele CA2739265972.
Genomic context (GRCh38, chr11:108,315,844, plus strand): 5'-TTTTTCCTTCTTCAATTTTTGTTGTTTCCATGTTTTCAGGATCTTCTCTTAGAAATCTAC[AG>A]AAGTATAGGGGAGCCAGATAGTTTGTATGGCTGTGGTGGAGGGAAGATGTTACAACCCAT-3'

ClinVar aggregate classification (germline): Pathogenic. Review status: criteria provided, multiple submitters, no conflicts (2 of 4 stars). 2 submissions from 2 submitters: Pathogenic (2). Last evaluated 2024-07-02.

Conditions:
Hereditary cancer-predisposing syndrome. Also called: Tumor predisposition; Hereditary Cancer Syndrome; Hereditary neoplastic syndrome; Neoplastic Syndromes, Hereditary. Identifiers: Orphanet 140162, MedGen C0027672, MeSH D009386, MONDO:0015356.
Ataxia-telangiectasia syndrome (AT). Also called: ATAXIA-TELANGIECTASIA, COMPLEMENTATION GROUP A; ATAXIA-TELANGIECTASIA, FRESNO VARIANT; Ataxia-telangiectasia; Ataxia-telangiectasia, complementation group E; LOUIS-BAR SYNDROME; Cerebello-oculocutaneous telangiectasia. Identifiers: Orphanet 100, MedGen C0004135, MONDO:0008840, OMIM 208900.

Submissions (2):

Labcorp Genetics (formerly Invitae), Labcorp
Classification: Pathogenic for Ataxia-telangiectasia syndrome. Last evaluated: 2024-07-02. Review status: criteria provided, single submitter. Criteria: Invitae Variant Classification Sherloc (09022015). Collection method: clinical testing. Allele origin: germline.
Comment: This sequence change creates a premature translational stop signal (p.Arg2010Lysfs*3) in the ATM gene. It is expected to result in an absent or disrupted protein product. Loss-of-function variants in ATM are known to be pathogenic (PMID: 23807571, 25614872). This variant is not present in population databases (gnomAD no frequency). This variant has not been reported in the literature in individuals affected with ATM-related conditions. Algorithms developed to predict the effect of sequence changes on RNA splicing suggest that this variant may disrupt the consensus splice site. For these reasons, this variant has been classified as Pathogenic.

Ambry Genetics
Classification: Pathogenic for Hereditary cancer-predisposing syndrome. Last evaluated: 2024-06-10. Review status: criteria provided, single submitter. Criteria: Ambry Variant Classification Scheme 2023. Collection method: clinical testing. Allele origin: germline.
Comment: The c.6029delG pathogenic mutation, located in coding exon 40 of the ATM gene, results from a deletion of one nucleotide at nucleotide position 6029, causing a translational frameshift with a predicted alternate stop codon (p.R2010Kfs*3). This variant is considered to be rare based on population cohorts in the Genome Aggregation Database (gnomAD). This alteration is expected to result in loss of function by premature protein truncation or nonsense-mediated mRNA decay. As such, this alteration is interpreted as a disease-causing mutation.

Literature cited by the submitters: PubMed 23807571 (cited by Labcorp Genetics (formerly Invitae), Labcorp); PubMed 25614872 (cited by Labcorp Genetics (formerly Invitae), Labcorp).